The following is an entry in ClinVar:

NM_001105206.3(LAMA4):c.1882G>C (p.Glu628Gln)

Gene: LAMA4 (laminin subunit alpha 4; minus strand). Cytogenetic location: 6q21.
Variant type: single nucleotide variant.
Coding change: c.1882G>C on transcript NM_001105206.3 (MANE Select); coding-DNA position 1882, G replaced by C.
Protein change: p.Glu628Gln; replaces glutamic acid 628 with glutamine.
Molecular consequence: missense variant.
Genome position (GRCh38, 1-based): chr6:112,155,642, C>G on the plus strand (G>C on the coding strand, the complement: LAMA4 is on the minus strand). VCF-style: chr6-112155642-C-G. GRCh37 (hg19) VCF-style: chr6-112476844-C-G.
Other names: c.1861G>C, p.Glu621Gln (NM_001105207.3, NM_002290.5); short protein forms E621Q, E628Q.
Identifiers: ClinVar variation 4045947 (VCV004045947.1).

ClinVar aggregate classification (germline): Uncertain significance (1 of 4 stars; one submission).

Conditions:
Cardiovascular phenotype. Identifiers: MedGen CN230736.

Submission:

Ambry Genetics
Classification: Uncertain significance for Cardiovascular phenotype. Last evaluated: 2025-04-24. Review status: criteria provided, single submitter. Criteria: Ambry Variant Classification Scheme 2023. Collection method: clinical testing. Allele origin: germline.
Comment: The p.E621Q variant (also known as c.1861G>C), located in coding exon 14 of the LAMA4 gene, results from a G to C substitution at nucleotide position 1861. The glutamic acid at codon 621 is replaced by glutamine, an amino acid with highly similar properties. This amino acid position is conserved. In addition, this alteration is predicted to be tolerated by in silico analysis. Based on the available evidence, the clinical significance of this variant remains unclear.